The following is an entry in ClinVar:

NM_020964.3(EPG5):c.631A>T (p.Arg211Ter)

Gene: EPG5 (ectopic P-granules 5 autophagy tethering factor; minus strand). Cytogenetic location: 18q21.1.
Variant type: single nucleotide variant.
Coding change: c.631A>T on transcript NM_020964.3 (MANE Select); coding-DNA position 631, A replaced by T.
Protein change: p.Arg211Ter; replaces arginine 211 with a stop codon.
Molecular consequence: nonsense.
Genome position (GRCh38, 1-based): chr18:45,954,771, T>A on the plus strand (A>T on the coding strand, the complement: EPG5 is on the minus strand). VCF-style: chr18-45954771-T-A. GRCh37 (hg19) VCF-style: chr18-43534737-T-A.
Other names: c.631A>T, p.Arg211Ter (NM_001410858.1, NM_001410859.1); short protein forms R211*.
Identifiers: ClinVar variation 2844520 (VCV002844520.3), dbSNP rs1187307540, ClinGen allele CA402351300.

ClinVar aggregate classification (germline): Pathogenic (1 of 4 stars; one submission).

Conditions:
Vici syndrome (VICIS). Identifiers: Orphanet 1493, MedGen C1855772, MONDO:0009452, OMIM 242840.

Submission:

Labcorp Genetics (formerly Invitae), Labcorp
Classification: Pathogenic for Vici syndrome. Last evaluated: 2023-03-09. Review status: criteria provided, single submitter. Criteria: Invitae Variant Classification Sherloc (09022015). Collection method: clinical testing. Allele origin: germline.
Comment: This sequence change creates a premature translational stop signal (p.Arg211*) in the EPG5 gene. It is expected to result in an absent or disrupted protein product. Loss-of-function variants in EPG5 are known to be pathogenic (PMID: 23222957, 23674064). This variant is not present in population databases (gnomAD no frequency). This variant has not been reported in the literature in individuals affected with EPG5-related conditions. For these reasons, this variant has been classified as Pathogenic.

Literature cited by the submitters: PubMed 23222957; PubMed 23674064.